The following is an entry in ClinVar:

ClinVar aggregate classification (germline): Uncertain significance. Review status: criteria provided, multiple submitters, no conflicts (2 of 4 stars). 2 submissions from 2 submitters: Uncertain significance (2). Last evaluated 2023-02-01.

Conditions:
Cardiovascular phenotype. Identifiers: MedGen CN230736.
Alstrom syndrome (ALMS). Identifiers: Orphanet 64, MedGen C0268425, MONDO:0008763, OMIM 203800.

Allele frequency attached by ClinVar (database versions not stated): ExAC 0.00001; gnomAD 0.00001; gnomAD exomes 0.00001; TOPMed 0.00001.
gnomAD v4.1: 14 of 1,613,502 alleles (0.00087%); highest among the groups gnomAD compares: Non-Finnish European, 0.0012%; no homozygotes.

Submissions (2):

Ambry Genetics
Classification: Uncertain significance for Cardiovascular phenotype. Last evaluated: 2023-02-01. Review status: criteria provided, single submitter. Criteria: Ambry Variant Classification Scheme 2023. Collection method: clinical testing. Allele origin: germline.
Comment: The p.S2298T variant (also known as c.6892T>A), located in coding exon 8 of the ALMS1 gene, results from a T to A substitution at nucleotide position 6892. The serine at codon 2298 is replaced by threonine, an amino acid with similar properties. This amino acid position is not well conserved in available vertebrate species. In addition, this alteration is predicted to be tolerated by in silico analysis. Since supporting evidence is limited at this time, the clinical significance of this alteration remains unclear.

Labcorp Genetics (formerly Invitae), Labcorp
Classification: Uncertain significance for Alstrom syndrome. Last evaluated: 2021-10-16. Review status: criteria provided, single submitter. Criteria: Invitae Variant Classification Sherloc (09022015). Collection method: clinical testing. Allele origin: germline.
Comment: This sequence change replaces serine with threonine at codon 2298 of the ALMS1 protein (p.Ser2298Thr). The serine residue is moderately conserved and there is a small physicochemical difference between serine and threonine. This variant is present in population databases (rs771228376, ExAC 0.002%). This variant has not been reported in the literature in individuals affected with ALMS1-related conditions. Experimental studies and prediction algorithms are not available or were not evaluated, and the functional significance of this variant is currently unknown. In summary, the available evidence is currently insufficient to determine the role of this variant in disease. Therefore, it has been classified as a Variant of Uncertain Significance.

NM_001378454.1(ALMS1):c.6889T>A (p.Ser2297Thr)

Gene: ALMS1 (ALMS1 centrosome and basal body associated protein; plus strand). Cytogenetic location: 2p13.1.
Variant type: single nucleotide variant.
Coding change: c.6889T>A on transcript NM_001378454.1 (MANE Select); coding-DNA position 6889, T replaced by A.
Protein change: p.Ser2297Thr; replaces serine 2297 with threonine.
Molecular consequence: missense variant.
Genome position (GRCh38, 1-based): chr2:73,453,416, T>A. VCF-style: chr2-73453416-T-A. GRCh37 (hg19) VCF-style: chr2-73680543-T-A.
Other names: c.6892T>A, p.Ser2298Thr (NM_015120.4); short protein forms S2297T, S2298T.
Identifiers: ClinVar variation 1346523 (VCV001346523.4), dbSNP rs771228376, ClinGen allele CA1714143.